The following is an entry in ClinVar:

ClinVar aggregate classification (germline): Conflicting classifications of pathogenicity. Review status: criteria provided, conflicting classifications (1 of 4 stars). 5 submissions from 5 submitters: Pathogenic (2); Uncertain significance (1). 2 of the submissions do not count toward it. Last evaluated 2026-05-11.

Conditions:
PMS2-related disorder. Also called: PMS2-related condition.
Hereditary cancer-predisposing syndrome. Also called: Neoplastic Syndromes, Hereditary; Tumor predisposition; Hereditary neoplastic syndrome; Hereditary Cancer Syndrome. Identifiers: Orphanet 140162, MedGen C0027672, MeSH D009386, MONDO:0015356.
Inherited MMR deficiency (Lynch syndrome).

Allele frequency attached by ClinVar (database versions not stated): gnomAD exomes 0.00001 and 0.00007; ExAC 0.00004; gnomAD 0.00006.

Submissions (5):

Genetics Laboratory, Great Ormond Street Hospital NHS Foundation Trust, North Thames Genomic Laboratory Hub
Classification: Uncertain significance for Inherited MMR deficiency (Lynch syndrome). Last evaluated: 2026-05-11. Review status: criteria provided, single submitter. Criteria: CanVIG MMR Gene Specific V1.7. Collection method: clinical testing. Allele origin: germline. Affected: yes.
Comment: PVS1_very-strong

Blueprint Genetics
Classification: Pathogenic for PMS2-related disorders. Last evaluated: 2024-08-13. Review status: criteria provided, single submitter. Criteria: ACMG Guidelines, 2015. Collection method: clinical testing. Allele origin: germline. Affected: yes. Observed: 5 variant alleles.

Institute for Biomarker Research, Medical Diagnostic Laboratories, L.L.C.
Classification: Pathogenic for Hereditary cancer-predisposing syndrome. Last evaluated: 2022-06-15. Review status: criteria provided, single submitter. Criteria: ACMG Guidelines, 2015. Collection method: clinical testing. Allele origin: germline.

Diagnostic Laboratory, Department of Genetics, University Medical Center Groningen
Classification: Pathogenic. Review status: no assertion criteria provided. Collection method: clinical testing. Allele origin: germline. Affected: yes. Study: VKGL Data-share Consensus. Not counted in ClinVar's aggregate classification.

Laboratory of Diagnostic Genome Analysis, Leiden University Medical Center (LUMC)
Classification: Pathogenic. Review status: no assertion criteria provided. Collection method: clinical testing. Allele origin: germline. Affected: yes. Study: VKGL Data-share Consensus. Not counted in ClinVar's aggregate classification.

NM_000535.7(PMS2):c.741_742insGTGTGTGAAG (p.Ser248fs)

Gene: PMS2 (PMS1 homolog 2, mismatch repair system component; minus strand). Cytogenetic location: 7p22.1.
Variant type: Insertion.
Coding change: c.741_742insGTGTGTGAAG on transcript NM_000535.7 (MANE Select); coding-DNA positions 741 to 742, GTGTGTGAAG inserted.
Protein change: p.Ser248fs; shifts the reading frame from serine 248.
Molecular consequence: frameshift variant. On other transcripts: 5 prime UTR variant (2), non-coding transcript variant (1).
Genome position: GRCh38 VCF-style: chr7-5997387-T-TCTTCACACAC. GRCh37 (hg19) VCF-style: chr7-6037018-T-TCTTCACACAC.
Other names: c.-193_-192insGTGTGTGAAG (NM_001322012.2, NM_001322011.2); c.168_169insGTGTGTGAAG, p.Ser57fs (NM_001322013.2); c.741_742insGTGTGTGAAG, p.Ser248fs (NM_001322014.2, NM_001322006.2); c.432_433insGTGTGTGAAG, p.Ser145fs (NM_001322015.2); c.336_337insGTGTGTGAAG, p.Ser113fs (NM_001322003.2, NM_001322004.2, NM_001322005.2 and 2 more transcripts); c.423_424insGTGTGTGAAG, p.Ser142fs (NM_001322007.2, NM_001322008.2); short protein forms S248fs, S57fs, S113fs, S142fs, S145fs.
Identifiers: ClinVar variation 1328224 (VCV001328224.8), dbSNP rs756653193, ClinGen allele CA051464.